The following is an entry in ClinVar:

ClinVar aggregate classification (germline): Uncertain significance (1 of 4 stars; one submission).

Submission:

GeneDx
Classification: Uncertain significance. Last evaluated: 2023-02-22. Review status: criteria provided, single submitter. Criteria: GeneDx Variant Classification Process June 2021. Collection method: clinical testing. Allele origin: germline. Affected: yes.
Comment: Not observed at significant frequency in large population cohorts (gnomAD); In silico analysis supports that this missense variant has a deleterious effect on protein structure/function; Missense variant in a gene in which most reported pathogenic variants are truncating/loss of function; Has not been previously published as pathogenic or benign to our knowledge

NM_004006.3(DMD):c.4022A>T (p.Asn1341Ile)

Gene: DMD (dystrophin; minus strand). Cytogenetic location: Xp21.1.
Variant type: single nucleotide variant.
Coding change: c.4022A>T on transcript NM_004006.3 (MANE Select); coding-DNA position 4022, A replaced by T.
Protein change: p.Asn1341Ile; replaces asparagine 1341 with isoleucine.
Molecular consequence: missense variant.
Genome position (GRCh38, 1-based): chrX:32,438,290, T>A on the plus strand (A>T on the coding strand, the complement: DMD is on the minus strand). VCF-style: chrX-32438290-T-A. GRCh37 (hg19) VCF-style: chrX-32456407-T-A.
Other names: c.3998A>T, p.Asn1333Ile (NM_000109.4); c.4010A>T, p.Asn1337Ile (NM_004009.3); c.3653A>T, p.Asn1218Ile (NM_004010.3); short protein forms N1218I, N1333I, N1337I, N1341I.
Identifiers: ClinVar variation 2577781 (VCV002577781.1), dbSNP rs2098269107, ClinGen allele CA412669307.